The following is an entry in ClinVar:

ClinVar aggregate classification (germline): Uncertain significance (1 of 4 stars; one submission).

Submission:

Labcorp Genetics (formerly Invitae), Labcorp
Classification: Uncertain significance. Last evaluated: 2022-02-23. Review status: criteria provided, single submitter. Criteria: Invitae Variant Classification Sherloc (09022015). Collection method: clinical testing. Allele origin: germline.
Comment: ClinVar contains an entry for this variant (Variation ID: 838422). This sequence change replaces valine, which is neutral and non-polar, with leucine, which is neutral and non-polar, at codon 184 of the CA4 protein (p.Val184Leu). This variant is not present in population databases (gnomAD no frequency). This variant has not been reported in the literature in individuals affected with CA4-related conditions. Algorithms developed to predict the effect of missense changes on protein structure and function output the following: SIFT: "Not Available"; PolyPhen-2: "Benign"; Align-GVGD: "Not Available". The leucine amino acid residue is found in multiple mammalian species, which suggests that this missense change does not adversely affect protein function. In summary, the available evidence is currently insufficient to determine the role of this variant in disease. Therefore, it has been classified as a Variant of Uncertain Significance.

NM_000717.5(CA4):c.550G>T (p.Val184Leu)

Gene: CA4 (carbonic anhydrase 4; plus strand). Cytogenetic location: 17q23.1.
Variant type: single nucleotide variant.
Coding change: c.550G>T on transcript NM_000717.5 (MANE Select); coding-DNA position 550, G replaced by T.
Protein change: p.Val184Leu; replaces valine 184 with leucine.
Molecular consequence: missense variant. On other transcripts: non-coding transcript variant (1).
Genome position (GRCh38, 1-based): chr17:60,158,097, G>T. VCF-style: chr17-60158097-G-T. GRCh37 (hg19) VCF-style: chr17-58235458-G-T.
Other names: short protein forms V184L.
Identifiers: ClinVar variation 838422 (VCV000838422.9), dbSNP rs2083725784, ClinGen allele CA400457730.